The following is an entry in ClinVar:

ClinVar aggregate classification (germline): Uncertain significance. Review status: criteria provided, multiple submitters, no conflicts (2 of 4 stars). 2 submissions from 2 submitters: Uncertain significance (2). Last evaluated 2024-09-12.

Conditions:
Renal cell carcinoma. Identifiers: Orphanet 217071, MedGen C0007134, MeSH D002292, MONDO:0005086, HP:0005584.
Hereditary cancer-predisposing syndrome. Also called: Neoplastic Syndromes, Hereditary; Tumor predisposition; Hereditary neoplastic syndrome; Hereditary Cancer Syndrome. Identifiers: Orphanet 140162, MedGen C0027672, MeSH D009386, MONDO:0015356.

Submissions (2):

Labcorp Genetics (formerly Invitae), Labcorp
Classification: Uncertain significance for Renal cell carcinoma. Last evaluated: 2024-09-12. Review status: criteria provided, single submitter. Criteria: Invitae Variant Classification Sherloc (09022015). Collection method: clinical testing. Allele origin: germline.
Comment: This sequence change replaces lysine, which is basic and polar, with arginine, which is basic and polar, at codon 940 of the MET protein (p.Lys940Arg). This variant is not present in population databases (gnomAD no frequency). This variant has not been reported in the literature in individuals affected with MET-related conditions. Invitae Evidence Modeling of protein sequence and biophysical properties (such as structural, functional, and spatial information, amino acid conservation, physicochemical variation, residue mobility, and thermodynamic stability) indicates that this missense variant is not expected to disrupt MET protein function with a negative predictive value of 80%. In summary, the available evidence is currently insufficient to determine the role of this variant in disease. Therefore, it has been classified as a Variant of Uncertain Significance.

Ambry Genetics
Classification: Uncertain significance for Hereditary cancer-predisposing syndrome. Last evaluated: 2024-02-29. Review status: criteria provided, single submitter. Criteria: Ambry Variant Classification Scheme 2023. Collection method: clinical testing. Allele origin: germline.
Comment: The p.K940R variant (also known as c.2819A>G), located in coding exon 12 of the MET gene, results from an A to G substitution at nucleotide position 2819. The lysine at codon 940 is replaced by arginine, an amino acid with highly similar properties. This amino acid position is conserved. In addition, this alteration is predicted to be tolerated by in silico analysis. Based on the available evidence, the clinical significance of this alteration remains unclear.

NM_000245.4(MET):c.2765A>G (p.Lys922Arg)

Gene: MET (MET proto-oncogene, receptor tyrosine kinase; plus strand). Cytogenetic location: 7q31.2.
Variant type: single nucleotide variant.
Coding change: c.2765A>G on transcript NM_000245.4 (MANE Select); coding-DNA position 2765, A replaced by G.
Protein change: p.Lys922Arg; replaces lysine 922 with arginine.
Molecular consequence: missense variant.
Genome position (GRCh38, 1-based): chr7:116,771,532, A>G. VCF-style: chr7-116771532-A-G. GRCh37 (hg19) VCF-style: chr7-116411586-A-G.
Other names: c.2819A>G, p.Lys940Arg (NM_001127500.3); c.1475A>G, p.Lys492Arg (NM_001324402.2); short protein forms K492R, K922R, K940R.
Identifiers: ClinVar variation 3232950 (VCV003232950.3), dbSNP rs2116991749, ClinGen allele CA368986287.